The following is an entry in ClinVar:

NM_001128205.2(SULF1):c.1033C>T (p.Arg345Cys)

Gene: SULF1 (sulfatase 1; plus strand). Cytogenetic location: 8q13.3.
Variant type: single nucleotide variant.
Coding change: c.1033C>T on transcript NM_001128205.2 (MANE Select); coding-DNA position 1033, C replaced by T.
Protein change: p.Arg345Cys; replaces arginine 345 with cysteine.
Molecular consequence: missense variant. On other transcripts: non-coding transcript variant (3).
Genome position (GRCh38, 1-based): chr8:69,601,801, C>T. VCF-style: chr8-69601801-C-T. GRCh37 (hg19) VCF-style: chr8-70514036-C-T.
Other names: c.1033C>T (NM_001128205.1); c.1033C>T, p.Arg345Cys (NM_001128204.2, NM_001128206.2, NM_015170.3); short protein forms R345C.
Identifiers: ClinVar variation 1380833 (VCV001380833.7), dbSNP rs762343638, ClinGen allele CA4775736.
Genomic context (GRCh38, chr8:69,601,801, plus strand): 5'-GGACTGGTCAAGGGGAAATCCATGCCATATGACTTTGATATTCGTGTGCCTTTTTTTATT[C>T]GTGGTCCAAGTGTAGAACCAGGATCAATGTACGTATTTCTCTGTTTGCAACATTCAACTG-3'
Protein context (NP_001121677.1, residues 335-355): DFDIRVPFFI[Arg345Cys]GPSVEPGSIV

ClinVar aggregate classification (germline): Uncertain significance. Review status: criteria provided, multiple submitters, no conflicts (2 of 4 stars). 2 submissions from 2 submitters: Uncertain significance (2). Last evaluated 2025-10-07.

Allele frequency attached by ClinVar (database versions not stated): ExAC 0.00003; gnomAD exomes 0.00003; gnomAD 0.00004; TOPMed 0.00004.
gnomAD v4.1: 50 of 1,611,670 alleles (0.0031%); highest among the groups gnomAD compares: African/African-American, 0.0053%; no homozygotes.

Submissions (2):

Labcorp Genetics (formerly Invitae), Labcorp
Classification: Uncertain significance. Last evaluated: 2025-10-07. Review status: criteria provided, single submitter. Criteria: Invitae Variant Classification Sherloc (09022015). Collection method: clinical testing. Allele origin: germline.
Comment: This sequence change replaces arginine, which is basic and polar, with cysteine, which is neutral and slightly polar, at codon 345 of the SULF1 protein (p.Arg345Cys). The frequency data for this variant in the population databases is considered unreliable, as metrics indicate poor data quality at this position in the gnomAD database. This variant has not been reported in the literature in individuals affected with SULF1-related conditions. ClinVar contains an entry for this variant (Variation ID: 1380833). An algorithm developed to predict the effect of missense changes on protein structure and function (PolyPhen-2) suggests that this variant is likely to be disruptive. In summary, the available evidence is currently insufficient to determine the role of this variant in disease. Therefore, it has been classified as a Variant of Uncertain Significance.

Ambry Genetics
Classification: Uncertain significance. Last evaluated: 2025-08-11. Review status: criteria provided, single submitter. Criteria: Ambry Variant Classification Scheme 2023. Collection method: clinical testing. Allele origin: germline.